The following is an entry in ClinVar:

ClinVar aggregate classification (germline): Uncertain significance (1 of 4 stars; one submission).

Conditions:
Zellweger spectrum disorders (ZS). Also called: Zellweger Spectrum Disorder; Zellweger Spectrum; Zellweger syndrome; Zellweger Spectrum Disorder (ZSD). Identifiers: Orphanet 912, MedGen C0043459, MONDO:0019609.

gnomAD v4.1: 3 of 1,614,072 alleles (0.00019%); highest among the groups gnomAD compares: Admixed American, 0.0017%; no homozygotes.

Submission:

Labcorp Genetics (formerly Invitae), Labcorp
Classification: Uncertain significance for Zellweger spectrum disorders. Last evaluated: 2025-10-01. Review status: criteria provided, single submitter. Criteria: Invitae Variant Classification Sherloc (09022015). Collection method: clinical testing. Allele origin: germline.
Comment: This sequence change replaces glutamine, which is neutral and polar, with glutamic acid, which is acidic and polar, at codon 79 of the PEX1 protein (p.Gln79Glu). This variant is not present in population databases (gnomAD no frequency). This variant has not been reported in the literature in individuals affected with PEX1-related conditions. ClinVar contains an entry for this variant (Variation ID: 2718097). Invitae Evidence Modeling of protein sequence and biophysical properties (such as structural, functional, and spatial information, amino acid conservation, physicochemical variation, residue mobility, and thermodynamic stability) indicates that this missense variant is not expected to disrupt PEX1 protein function with a negative predictive value of 95%. In summary, the available evidence is currently insufficient to determine the role of this variant in disease. Therefore, it has been classified as a Variant of Uncertain Significance.

NM_000466.3(PEX1):c.235C>G (p.Gln79Glu)

Gene: PEX1 (peroxisomal biogenesis factor 1; minus strand). Cytogenetic location: 7q21.2.
Variant type: single nucleotide variant.
Coding change: c.235C>G on transcript NM_000466.3 (MANE Select); coding-DNA position 235, C replaced by G.
Protein change: p.Gln79Glu; replaces glutamine 79 with glutamic acid.
Molecular consequence: missense variant. On other transcripts: 5 prime UTR variant (1).
Genome position (GRCh38, 1-based): chr7:92,522,140, G>C on the plus strand (C>G on the coding strand, the complement: PEX1 is on the minus strand). VCF-style: chr7-92522140-G-C. GRCh37 (hg19) VCF-style: chr7-92151454-G-C.
Other names: c.235C>G, p.Gln79Glu (NM_001282677.2); c.-425C>G (NM_001282678.2); short protein forms Q79E.
Identifiers: ClinVar variation 2718097 (VCV002718097.2), dbSNP rs1470609060, ClinGen allele CA368204810.